The following is an entry in ClinVar:

ClinVar aggregate classification (germline): Uncertain significance. Review status: criteria provided, multiple submitters, no conflicts (2 of 4 stars). 4 submissions from 4 submitters: Uncertain significance (4). Last evaluated 2025-12-12.

Conditions:
Inborn genetic diseases. Identifiers: MedGen C0950123, MeSH D030342.
DDX41-related hematologic malignancy predisposition syndrome. Also called: DDX41-Associated Familial Myelodysplastic Syndrome and Acute Myeloid Leukemia; Myeloproliferative/lymphoproliferative neoplasms, familial (multiple types), susceptibility to. Identifiers: Orphanet 488647, MedGen C4225174, MONDO:0014809, OMIM 616871.

Allele frequency attached by ClinVar (database versions not stated): TOPMed below 0.00001; gnomAD 0.00001; gnomAD exomes 0.00001; ExAC 0.00002.
gnomAD v4.1: 14 of 1,614,092 alleles (0.00087%); highest among the groups gnomAD compares: Non-Finnish European, 0.0012%; no homozygotes.

Submissions (4):

Ambry Genetics
Classification: Uncertain significance for Inborn genetic diseases. Last evaluated: 2025-12-12. Review status: criteria provided, single submitter. Criteria: Ambry Variant Classification Scheme 2023. Collection method: clinical testing. Allele origin: germline.
Comment: The p.R479W variant (also known as c.1435C>T), located in coding exon 14 of the DDX41 gene, results from a C to T substitution at nucleotide position 1435. The arginine at codon 479 is replaced by tryptophan, an amino acid with dissimilar properties. This variant was reported as presumed germline in individuals with features consistent with DDX41-related hematologic malignancy predisposition syndrome (S&eacute;bert M et al. Blood, 2019 Oct;134:1441-1444; Tierens A et al. Front Oncol, 2023 Jun;13:1153082). This amino acid position is well conserved in available vertebrate species. In addition, the in silico prediction for this alteration is inconclusive. Based on the available evidence, the clinical significance of this variant remains unclear.

Labcorp Genetics (formerly Invitae), Labcorp
Classification: Uncertain significance. Last evaluated: 2024-09-17. Review status: criteria provided, single submitter. Criteria: Invitae Variant Classification Sherloc (09022015). Collection method: clinical testing. Allele origin: germline.
Comment: This sequence change replaces arginine, which is basic and polar, with tryptophan, which is neutral and slightly polar, at codon 479 of the DDX41 protein (p.Arg479Trp). This variant is present in population databases (rs768638631, gnomAD 0.004%). This missense change has been observed in individual(s) with clinical features of DDX41-related disorders (PMID: 31484648, 32047491). An algorithm developed to predict the effect of missense changes on protein structure and function (PolyPhen-2) suggests that this variant is likely to be disruptive. In summary, the available evidence is currently insufficient to determine the role of this variant in disease. Therefore, it has been classified as a Variant of Uncertain Significance.

Baylor Genetics
Classification: Uncertain significance for DDX41-related hematologic malignancy predisposition syndrome. Last evaluated: 2023-12-07. Review status: criteria provided, single submitter. Criteria: ACMG Guidelines, 2015. Collection method: clinical testing. Allele origin: unknown.

GeneDx
Classification: Uncertain significance. Last evaluated: 2023-05-23. Review status: criteria provided, single submitter. Criteria: GeneDx Variant Classification Process June 2021. Collection method: clinical testing. Allele origin: germline. Affected: yes.
Comment: Not observed at significant frequency in large population cohorts (gnomAD); In silico analysis supports that this missense variant has a deleterious effect on protein structure/function; This variant is associated with the following publications: (PMID: 27721487, 31484648, 32047491)

Literature cited by the submitters: PubMed 31484648 (cited by Ambry Genetics and Labcorp Genetics (formerly Invitae), Labcorp); PubMed 37434984 (cited by Ambry Genetics); PubMed 32047491 (cited by Labcorp Genetics (formerly Invitae), Labcorp).

NM_016222.4(DDX41):c.1435C>T (p.Arg479Trp)

Gene: DDX41 (DEAD-box helicase 41; minus strand). Cytogenetic location: 5q35.3.
Variant type: single nucleotide variant.
Coding change: c.1435C>T on transcript NM_016222.4 (MANE Select); coding-DNA position 1435, C replaced by T.
Protein change: p.Arg479Trp; replaces arginine 479 with tryptophan.
Molecular consequence: missense variant.
Genome position (GRCh38, 1-based): chr5:177,512,610, G>A on the plus strand (C>T on the coding strand, the complement: DDX41 is on the minus strand). VCF-style: chr5-177512610-G-A. GRCh37 (hg19) VCF-style: chr5-176939611-G-A.
Other names: c.1057C>T, p.Arg353Trp (NM_001321732.2, NM_001321830.2); c.1435C>T (NM_016222.2); short protein forms R353W, R479W.
Identifiers: ClinVar variation 3241308 (VCV003241308.6), dbSNP rs768638631.